The following is an entry in ClinVar:

NM_001042681.2(RERE):c.2440C>A (p.Pro814Thr)

Gene: RERE (arginine-glutamic acid dipeptide repeats; minus strand). Cytogenetic location: 1p36.23.
Variant type: single nucleotide variant.
Coding change: c.2440C>A on transcript NM_001042681.2 (MANE Select); coding-DNA position 2440, C replaced by A.
Protein change: p.Pro814Thr; replaces proline 814 with threonine.
Molecular consequence: missense variant.
Genome position (GRCh38, 1-based): chr1:8,361,067, G>T on the plus strand (C>A on the coding strand, the complement: RERE is on the minus strand). VCF-style: chr1-8361067-G-T. GRCh37 (hg19) VCF-style: chr1-8421127-G-T.
Other names: c.778C>A, p.Pro260Thr (NM_001042682.2); c.2440C>A, p.Pro814Thr (NM_012102.4); short protein forms P260T, P814T.
Identifiers: ClinVar variation 3772163 (VCV003772163.13).

ClinVar aggregate classification (germline): Uncertain significance (1 of 4 stars; one submission).

Submission:

CeGaT Center for Human Genetics Tuebingen
Classification: Uncertain significance. Last evaluated: 2024-12-01. Review status: criteria provided, single submitter. Criteria: CeGaT Center For Human Genetics Tuebingen Variant Classification Criteria Version 2. Collection method: clinical testing. Allele origin: germline. Affected: yes. Observed: 1 variant allele.
Comment: RERE: PM2